The following is an entry in ClinVar:

NM_014639.4(SKIC3):c.3510A>C (p.Ala1170=)

Gene: SKIC3 (SKI3 subunit of superkiller complex; minus strand). Cytogenetic location: 5q15.
Variant type: single nucleotide variant.
Coding change: c.3510A>C on transcript NM_014639.4 (MANE Select); coding-DNA position 3510, A replaced by C.
Protein change: p.Ala1170=; no amino-acid change (alanine 1170 retained).
Molecular consequence: synonymous variant.
Genome position (GRCh38, 1-based): chr5:95,498,423, T>G on the plus strand (A>C on the coding strand, the complement: SKIC3 is on the minus strand). VCF-style: chr5-95498423-T-G. GRCh37 (hg19) VCF-style: chr5-94834127-T-G.
Identifiers: ClinVar variation 730895 (VCV000730895.11), dbSNP rs147016580, ClinGen allele CA3346712.

ClinVar aggregate classification (germline): Likely benign. Review status: criteria provided, single submitter (1 of 4 stars). 2 submissions from 2 submitters: Likely benign (1). 1 of the submissions does not count toward it. Last evaluated 2025-12-19.

Conditions:
SKIC3-related disorder. Also called: SKIC3-related condition.

Allele frequency attached by ClinVar (database versions not stated): gnomAD exomes 0.00003 and 0.00008; ExAC 0.00010; ESP Exome Variant Server 0.00015; 1000 Genomes Project 0.00020; gnomAD 0.00027 and 0.00028; 1000 Genomes Project 30x 0.00031; TOPMed 0.00038.
gnomAD v4.1: 95 of 1,614,150 alleles (0.0059%); highest among the groups gnomAD compares: African/African-American, 0.12%; no homozygotes.

Submissions (2):

Labcorp Genetics (formerly Invitae), Labcorp
Classification: Likely benign. Last evaluated: 2025-12-19. Review status: criteria provided, single submitter. Criteria: Invitae Variant Classification Sherloc (09022015). Collection method: clinical testing. Allele origin: germline.

PreventionGenetics, part of Exact Sciences
Classification: Likely benign for SKIC3-related condition. Last evaluated: 2019-11-14. Review status: no assertion criteria provided. Collection method: clinical testing. Allele origin: germline. Not counted in ClinVar's aggregate classification.
Comment: This variant is classified as likely benign based on ACMG/AMP sequence variant interpretation guidelines (Richards et al. 2015 PMID: 25741868, with internal and published modifications).